The following is an entry in ClinVar:

ClinVar aggregate classification (germline): Pathogenic. Review status: criteria provided, multiple submitters, no conflicts (2 of 4 stars). 3 submissions from 3 submitters: Pathogenic (2). 1 of the submissions does not count toward it. Last evaluated 2026-09-08.

Conditions:
Fabry disease. Also called: Ceramide trihexosidosis; ALPHA-GALACTOSIDASE A DEFICIENCY; ANDERSON-FABRY DISEASE; CERAMIDE TRIHEXOSIDASE DEFICIENCY; GLA DEFICIENCY; HEREDITARY DYSTOPIC LIPIDOSIS. Identifiers: Orphanet 324, MedGen C0002986, MONDO:0010526, OMIM 301500, HP:0001071. Disease mechanism: Fabry disease is due to inactivating mutations in the X-linked GLA gene resulting in deficiency of the enzyme Alpha Galactosidase-A., loss of function.

Submissions (3):

Genomenon, Inc
Classification: Pathogenic for Fabry disease. Last evaluated: 2026-09-08. Review status: criteria provided, single submitter. Criteria: Genomenon Sequence Variant Interpretation Standards - Updated. Collection method: curation. Allele origin: germline. Affected: yes.
Comment: GLA p.Gly183ValfsTer9 (c.548del) is a frameshift variant that is predicted to introduce a premature termination codon and result in a truncated or absent protein product. This variant has been observed in at least one proband with clinical features consistent with Fabry disease (PMID:39182239). It is absent or not present at a significant frequency in gnomAD. In conclusion, we classify GLA p.Gly183ValfsTer9 (c.548del) as a pathogenic variant.

Labcorp Genetics (formerly Invitae), Labcorp
Classification: Pathogenic for Fabry disease. Last evaluated: 2021-10-21. Review status: criteria provided, single submitter. Criteria: Invitae Variant Classification Sherloc (09022015). Collection method: clinical testing. Allele origin: germline.
Comment: For these reasons, this variant has been classified as Pathogenic. Algorithms developed to predict the effect of sequence changes on RNA splicing suggest that this variant may disrupt the consensus splice site. This variant has not been reported in the literature in individuals affected with GLA-related conditions. This variant is not present in population databases (gnomAD no frequency). This sequence change creates a premature translational stop signal (p.Gly183Valfs*9) in the GLA gene. It is expected to result in an absent or disrupted protein product. Loss-of-function variants in GLA are known to be pathogenic (PMID: 10666480, 12175777).

Revvity Omics, Revvity
Classification: Likely pathogenic. Last evaluated: 2021-10-29. Review status: no assertion criteria provided. Collection method: clinical testing. Allele origin: germline. Not counted in ClinVar's aggregate classification.

Literature cited by the submitters: PubMed 39182239 (cited by Genomenon, Inc); PubMed 10666480 (cited by Labcorp Genetics (formerly Invitae), Labcorp); PubMed 12175777 (cited by Labcorp Genetics (formerly Invitae), Labcorp).

NM_000169.3(GLA):c.548del

Genes: GLA (galactosidase alpha; minus strand), RPL36A-HNRNPH2 (RPL36A-HNRNPH2 readthrough; plus strand). Cytogenetic location: Xq22.1.
Variant type: Deletion.
Coding change: c.548del on transcript NM_000169.3 (MANE Select); coding-DNA position 548, one base deleted (G; older notation c.548delG).
Molecular consequence: intron variant (on NM_001199973.2).
Genome position (GRCh38, 1-based): chrX:101,400,757, C deleted on the plus strand (G on the coding strand, the reverse complement: GLA is on the minus strand); the first of 2 consecutive C bases (chrX:101,400,757-101,400,758); deleting either gives the same sequence. VCF-style (leftmost placement, unchanged base first): chrX-101400756-AC-A. GRCh37 (hg19) VCF-style: chrX-100655744-AC-A.
Other names: c.300+5301del (NM_001199973.2); c.177+8936del (NM_001199974.2).
Identifiers: ClinVar variation 1458502 (VCV001458502.8), dbSNP rs2147476203, ClinGen allele CA2573055056.
Genomic context (GRCh38, chrX:101,400,756, plus strand): 5'-CTCACAGGAGTACACAATGCTTCTGCCAGTCCTATTCAGGGCCAAGGACATGTGCTTATA[AC>A]CTGTATGAGAAAACAATGGGTAAAATAAGGGAAAGAAATGAATTTCCAGCTGGGGCTATA-3'